The following is an entry in ClinVar:

NM_001029883.3(PCARE):c.1727dup (p.Arg577fs)

Gene: PCARE (photoreceptor cilium actin regulator; minus strand). Cytogenetic location: 2p23.2.
Variant type: Duplication.
Coding change: c.1727dup on transcript NM_001029883.3 (MANE Select); coding-DNA position 1727, one base duplicated (C; older notation c.1727dupC).
Protein change: p.Arg577fs; shifts the reading frame from arginine 577.
Molecular consequence: frameshift variant.
Genome position (GRCh38, 1-based): chr2:29,072,535, G duplicated on the plus strand (C on the coding strand, the reverse complement: PCARE is on the minus strand); the first of 6 consecutive G bases (chr2:29,072,535-29,072,540); duplicating any one gives the same sequence. VCF-style (leftmost placement, unchanged base first): chr2-29072534-T-TG. GRCh37 (hg19) VCF-style: chr2-29295400-T-TG.
Other names: short protein forms R577fs.
Identifiers: ClinVar variation 3650601 (VCV003650601.2).

ClinVar aggregate classification (germline): Pathogenic (1 of 4 stars; one submission).

Submission:

Labcorp Genetics (formerly Invitae), Labcorp
Classification: Pathogenic. Last evaluated: 2024-08-21. Review status: criteria provided, single submitter. Criteria: Invitae Variant Classification Sherloc (09022015). Collection method: clinical testing. Allele origin: germline.
Comment: This sequence change creates a premature translational stop signal (p.Arg577Lysfs*3) in the PCARE gene. It is expected to result in an absent or disrupted protein product. Loss-of-function variants in PCARE are known to be pathogenic (PMID: 20398886, 24339724, 26496393). This variant is not present in population databases (gnomAD no frequency). This variant has not been reported in the literature in individuals affected with PCARE-related conditions. For these reasons, this variant has been classified as Pathogenic.

Literature cited by the submitters: PubMed 20398886; PubMed 24339724; PubMed 26496393.